The following is an entry in ClinVar:

NM_001276277.3(PPIP5K2):c.2175C>T (p.Asp725=)

Gene: PPIP5K2 (diphosphoinositol pentakisphosphate kinase 2; plus strand). Cytogenetic location: 5q21.1.
Variant type: single nucleotide variant.
Coding change: c.2175C>T on transcript NM_001276277.3 (MANE Select); coding-DNA position 2175, C replaced by T.
Protein change: p.Asp725=; no amino-acid change (aspartic acid 725 retained).
Molecular consequence: synonymous variant.
Genome position (GRCh38, 1-based): chr5:103,168,184, C>T. VCF-style: chr5-103168184-C-T. GRCh37 (hg19) VCF-style: chr5-102503888-C-T.
Other names: c.2175C>T, p.Asp725= (NM_001281471.3, NM_001345871.2, NM_001345872.2 and 4 more transcripts); c.2172C>T, p.Asp724= (NM_001345873.2, NM_001345877.2, NM_001345878.2).
Identifiers: ClinVar variation 3039680 (VCV003039680.2), dbSNP rs36114228, ClinGen allele CA3360332.

ClinVar aggregate classification (germline): Benign (0 of 4 stars; one submission).

Conditions:
PPIP5K2-related disorder. Also called: PPIP5K2-related condition.

Allele frequency attached by ClinVar (database versions not stated): gnomAD exomes 0.00030; ExAC 0.00108; gnomAD 0.00315; TOPMed 0.00385; 1000 Genomes Project 0.00399; 1000 Genomes Project 30x 0.00422; ESP Exome Variant Server 0.00424.
gnomAD v4.1: 943 of 1,607,346 alleles (0.059%); highest among the groups gnomAD compares: African/African-American, 1.1%; 6 homozygotes.

Submission:

PreventionGenetics, part of Exact Sciences
Classification: Benign for PPIP5K2-related condition. Last evaluated: 2019-11-06. Review status: no assertion criteria provided. Collection method: clinical testing. Allele origin: germline.
Comment: This variant is classified as benign based on ACMG/AMP sequence variant interpretation guidelines (Richards et al. 2015 PMID: 25741868, with internal and published modifications).